The following is an entry in ClinVar:

NM_000238.4(KCNH2):c.613C>A (p.Pro205Thr)

Gene: KCNH2 (potassium voltage-gated channel subfamily H member 2; minus strand). Cytogenetic location: 7q36.1.
Variant type: single nucleotide variant.
Coding change: c.613C>A on transcript NM_000238.4 (MANE Select); coding-DNA position 613, C replaced by A.
Protein change: p.Pro205Thr; replaces proline 205 with threonine.
Molecular consequence: missense variant.
Genome position (GRCh38, 1-based): chr7:150,958,362, G>T on the plus strand (C>A on the coding strand, the complement: KCNH2 is on the minus strand). VCF-style: chr7-150958362-G-T. GRCh37 (hg19) VCF-style: chr7-150655450-G-T.
Other names: c.325C>A, p.Pro109Thr (NM_001406753.1, NM_001406756.1); c.436C>A, p.Pro146Thr (NM_001406755.1); c.313C>A, p.Pro105Thr (NM_001406757.1); c.613C>A, p.Pro205Thr (NM_172056.3); short protein forms P205T, P109T, P146T, P105T.
Identifiers: ClinVar variation 1422007 (VCV001422007.6), dbSNP rs939574819, ClinGen allele CA169081404.
Genomic context (GRCh38, chr7:150,958,362, plus strand): 5'-GCCCTGCCACGTGGTTGTCCATGGCTGTCACTTCGTCCAGGGCCAGCGACTCGCTGCTGG[G>T]TGCCGCGGGCGTCAGGTCCACGTCCACCACCACGGCCCCCGGGGCGCCCGCGCCGCCCGC-3'
Protein context (NP_000229.1, residues 195-215): VVDVDLTPAA[Pro205Thr]SSESLALDEV

ClinVar aggregate classification (germline): Uncertain significance (1 of 4 stars; one submission).

Conditions:
Long QT syndrome (LQTS). Identifiers: MedGen C0023976, MeSH D008133, MONDO:0002442. Disease mechanism: loss of function. Inheritance: Various modes of inheritance.

gnomAD v4.1: 17 of 1,484,300 alleles (0.0011%); highest among the groups gnomAD compares: Non-Finnish European, 0.0012%; no homozygotes.

Submission:

Labcorp Genetics (formerly Invitae), Labcorp
Classification: Uncertain significance for Long QT syndrome. Last evaluated: 2024-12-23. Review status: criteria provided, single submitter. Criteria: Invitae Variant Classification Sherloc (09022015). Collection method: clinical testing. Allele origin: germline.
Comment: This sequence change replaces proline, which is neutral and non-polar, with threonine, which is neutral and polar, at codon 205 of the KCNH2 protein (p.Pro205Thr). This variant is not present in population databases (gnomAD no frequency). This variant has not been reported in the literature in individuals affected with KCNH2-related conditions. ClinVar contains an entry for this variant (Variation ID: 1422007). An algorithm developed to predict the effect of missense changes on protein structure and function (PolyPhen-2) suggests that this variant is likely to be tolerated. In summary, the available evidence is currently insufficient to determine the role of this variant in disease. Therefore, it has been classified as a Variant of Uncertain Significance.